The following is an entry in ClinVar:

ClinVar aggregate classification (germline): Likely pathogenic. Review status: criteria provided, multiple submitters, no conflicts (2 of 4 stars). 2 submissions from 2 submitters: Likely pathogenic (2). Last evaluated 2024-11-21.

Conditions:
Hypopigmentation-punctate palmoplantar keratoderma syndrome. Also called: GUTTATE HYPOPIGMENTATION AND PUNCTATE PALMOPLANTAR KERATODERMA WITH OR WITHOUT ECTOPIC CALCIFICATION; Cole disease. Identifiers: Orphanet 324561, MedGen C3809781, MONDO:0014227, OMIM 615522.
Inherited obesity. Also called: Monogenic Obesity. Identifiers: Orphanet 77828, MedGen C4054476, MONDO:0019182, OMIM 601665.
Type 2 diabetes mellitus. Also called: Type II diabetes mellitus. Identifiers: MedGen C0011860, MeSH D003924, MONDO:0005148, OMIM 125853, HP:0005978.
Arterial calcification, generalized, of infancy, 1 (GACI1). Also called: Idiopathic Infantile Arterial Calcification. Identifiers: Orphanet 51608, MedGen C4551985, MONDO:0008817, OMIM 208000.
Hypophosphatemic rickets, autosomal recessive, 2 (ARHR2). Identifiers: Orphanet 289176, MedGen C2750078, MONDO:0013219, OMIM 613312.

gnomAD v4.1: 21 of 1,613,106 alleles (0.0013%); highest among the groups gnomAD compares: African/African-American, 0.008%; no homozygotes.

Submissions (2):

Labcorp Genetics (formerly Invitae), Labcorp
Classification: Likely pathogenic. Last evaluated: 2024-11-21. Review status: criteria provided, single submitter. Criteria: Invitae Variant Classification Sherloc (09022015). Collection method: clinical testing. Allele origin: germline.
Comment: This sequence change replaces glutamic acid, which is acidic and polar, with lysine, which is basic and polar, at codon 866 of the ENPP1 protein (p.Glu866Lys). This variant is present in population databases (rs746849474, gnomAD 0.02%). This missense change has been observed in individuals with arterial calcification and/or pseudoxanthoma elasticum (PMID: 31646622, 33005041, 35482848). Invitae Evidence Modeling of protein sequence and biophysical properties (such as structural, functional, and spatial information, amino acid conservation, physicochemical variation, residue mobility, and thermodynamic stability) indicates that this missense variant is expected to disrupt ENPP1 protein function with a positive predictive value of 80%. Experimental studies have shown that this missense change affects ENPP1 function (PMID: 31646622). In summary, the currently available evidence indicates that the variant is pathogenic, but additional data are needed to prove that conclusively. Therefore, this variant has been classified as Likely Pathogenic.

Fulgent Genetics
Classification: Likely pathogenic for Type 2 diabetes mellitus; Arterial calcification, generalized, of infancy, 1; Inherited obesity; Hypophosphatemic rickets, autosomal recessive, 2; Hypopigmentation-punctate palmoplantar keratoderma syndrome. Last evaluated: 2024-02-14. Review status: criteria provided, single submitter. Criteria: ACMG Guidelines, 2015. Collection method: clinical testing. Allele origin: germline.

Literature cited by the submitters: PubMed 31646622 (cited by Labcorp Genetics (formerly Invitae), Labcorp); PubMed 33005041 (cited by Labcorp Genetics (formerly Invitae), Labcorp); PubMed 35482848 (cited by Labcorp Genetics (formerly Invitae), Labcorp).

NM_006208.3(ENPP1):c.2596G>A (p.Glu866Lys)

Gene: ENPP1 (ectonucleotide pyrophosphatase/phosphodiesterase 1; plus strand). Cytogenetic location: 6q23.2.
Variant type: single nucleotide variant.
Coding change: c.2596G>A on transcript NM_006208.3 (MANE Select); coding-DNA position 2596, G replaced by A.
Protein change: p.Glu866Lys; replaces glutamic acid 866 with lysine.
Molecular consequence: missense variant.
Genome position (GRCh38, 1-based): chr6:131,886,713, G>A. VCF-style: chr6-131886713-G-A. GRCh37 (hg19) VCF-style: chr6-132207853-G-A.
Other names: short protein forms E866K.
Identifiers: ClinVar variation 3593105 (VCV003593105.3).